The following is an entry in ClinVar:

ClinVar aggregate classification (germline): Uncertain significance (1 of 4 stars; one submission).

Conditions:
Developmental and epileptic encephalopathy, 85, with or without midline brain defects. Also called: EPILEPTIC ENCEPHALOPATHY, EARLY INFANTILE, 85, WITH OR WITHOUT MIDLINE BRAIN DEFECTS. Identifiers: MedGen C5393312, MONDO:0026771, OMIM 301044.
Congenital muscular hypertrophy-cerebral syndrome (CDLS2). Also called: SMC1A-Related Cornelia de Lange Syndrome; Cornelia de Lange syndrome 2. Identifiers: Orphanet 199, MedGen C1802395, MONDO:0010370, OMIM 300590.

gnomAD v4.1: 1 of 1,211,398 alleles (0.000083%); highest among the groups gnomAD compares: Non-Finnish European, 0.00011%; no homozygotes.

Submission:

Juno Genomics, Hangzhou Juno Genomics, Inc
Classification: Uncertain significance for Congenital muscular hypertrophy-cerebral syndrome; Developmental and epileptic encephalopathy, 85, with or without midline brain defects. Review status: criteria provided, single submitter. Criteria: ACMG Guidelines, 2015. Collection method: clinical testing. Allele origin: germline.
Comment: Absent from controls (or at extremely low frequency if recessive) in Genome Aggregation Database.;Missense variant in a gene that has a low rate of benign missense variation.;Multiple lines of computational evidence support a deleterious effect on the gene or gene product.

NM_006306.4(SMC1A):c.2684G>A (p.Arg895His)

Gene: SMC1A (structural maintenance of chromosomes 1A; minus strand). Cytogenetic location: Xp11.22.
Variant type: single nucleotide variant.
Coding change: c.2684G>A on transcript NM_006306.4 (MANE Select); coding-DNA position 2684, G replaced by A.
Protein change: p.Arg895His; replaces arginine 895 with histidine.
Molecular consequence: missense variant.
Genome position (GRCh38, 1-based): chrX:53,396,496, C>T on the plus strand (G>A on the coding strand, the complement: SMC1A is on the minus strand). VCF-style: chrX-53396496-C-T. GRCh37 (hg19) VCF-style: chrX-53423416-C-T.
Other names: c.2618G>A, p.Arg873His (NM_001281463.1); short protein forms R873H, R895H.
Identifiers: ClinVar variation 5007579 (VCV005007579.2).